The following is an entry in ClinVar:

ClinVar aggregate classification (germline): Pathogenic (1 of 4 stars; one submission).

Conditions:
Frontotemporal dementia and/or amyotrophic lateral sclerosis 4. Also called: FTDALS4. Identifiers: Orphanet 275872, MedGen C4225325, MONDO:0014641, OMIM 616439.

Submission:

Labcorp Genetics (formerly Invitae), Labcorp
Classification: Pathogenic for Frontotemporal dementia and/or amyotrophic lateral sclerosis 4. Last evaluated: 2024-03-28. Review status: criteria provided, single submitter. Criteria: Invitae Variant Classification Sherloc (09022015). Collection method: clinical testing. Allele origin: germline.
Comment: This sequence change creates a premature translational stop signal (p.Lys587Asnfs*12) in the TBK1 gene. It is expected to result in an absent or disrupted protein product. Loss-of-function variants in TBK1 are known to be pathogenic (PMID: 25803835, 26476236, 26581300). This variant is not present in population databases (gnomAD no frequency). This variant has not been reported in the literature in individuals affected with TBK1-related conditions. Algorithms developed to predict the effect of sequence changes on RNA splicing suggest that this variant may disrupt the consensus splice site. For these reasons, this variant has been classified as Pathogenic.

Literature cited by the submitters: PubMed 25803835; PubMed 26476236; PubMed 26581300.

NC_000012.12:g.64496949del

Gene: TBK1 (TANK binding kinase 1; plus strand). Cytogenetic location: 12q14.2.
Variant type: Deletion.
Genome position: GRCh38 VCF-style: chr12-64496947-AG-A. GRCh37 (hg19) VCF-style: chr12-64890727-AG-A.
Identifiers: ClinVar variation 3640602 (VCV003640602.2).